The following is an entry in ClinVar:

ClinVar aggregate classification (germline): Uncertain significance (1 of 4 stars; one submission).

Conditions:
Marfan syndrome (MFS). Also called: FBN1-Related Marfan Syndrome; MARFAN SYNDROME, TYPE I; Marfan syndrome type 1; Marfan's syndrome; Marfan syndrome, classic. Identifiers: Orphanet 284963, Orphanet 558, MedGen C0024796, MONDO:0007947, OMIM 154700.

Submission:

UNC Molecular Genetics  Laboratory, University of North Carolina at Chapel Hill
Classification: Uncertain significance for Marfan syndrome. Last evaluated: 2020-01-01. Review status: criteria provided, single submitter. Criteria: ACMG Guidelines, 2015. Collection method: research. Allele origin: germline. Observed: 1 variant allele. Study: CSER_NCGENES.
Comment: The FBN1 c.8507T>A (p.Leu2836His) variant is not present in the gnomAD human population database, nor has it been previously reported in association with Marfan syndrome. Conservation and computational prediction tools predict a damaging effect on protein function. This variant is thus considered a variant of uncertain clinical significance.

NM_000138.5(FBN1):c.8507T>A (p.Leu2836His)

Gene: FBN1 (fibrillin 1; minus strand). Cytogenetic location: 15q21.1.
Variant type: single nucleotide variant.
Coding change: c.8507T>A on transcript NM_000138.5 (MANE Select); coding-DNA position 8507, T replaced by A.
Protein change: p.Leu2836His; replaces leucine 2836 with histidine.
Molecular consequence: missense variant.
Genome position (GRCh38, 1-based): chr15:48,411,099, A>T on the plus strand (T>A on the coding strand, the complement: FBN1 is on the minus strand). VCF-style: chr15-48411099-A-T. GRCh37 (hg19) VCF-style: chr15-48703296-A-T.
Other names: short protein forms L2836H.
Identifiers: ClinVar variation 1064552 (VCV001064552.1), dbSNP rs2141209638, ClinGen allele CA392318755.